The following is an entry in ClinVar:

ClinVar aggregate classification (germline): Uncertain significance (1 of 4 stars; one submission).

Submission:

Ambry Genetics
Classification: Uncertain significance. Last evaluated: 2024-05-17. Review status: criteria provided, single submitter. Criteria: Ambry Variant Classification Scheme 2023. Collection method: clinical testing. Allele origin: germline.
Comment: The p.E2935G variant (also known as c.8804A>G), located in coding exon 64 of the PRKDC gene, results from an A to G substitution at nucleotide position 8804. The glutamic acid at codon 2935 is replaced by glycine, an amino acid with similar properties. This amino acid position is conserved. Based on the available evidence, the clinical significance of this variant remains unclear.

NM_006904.7(PRKDC):c.8804A>G (p.Glu2935Gly)

Gene: PRKDC (protein kinase, DNA-activated, catalytic subunit; minus strand). Cytogenetic location: 8q11.21.
Variant type: single nucleotide variant.
Coding change: c.8804A>G on transcript NM_006904.7 (MANE Select); coding-DNA position 8804, A replaced by G.
Protein change: p.Glu2935Gly; replaces glutamic acid 2935 with glycine.
Molecular consequence: missense variant.
Genome position (GRCh38, 1-based): chr8:47,823,976, T>C on the plus strand (A>G on the coding strand, the complement: PRKDC is on the minus strand). VCF-style: chr8-47823976-T-C. GRCh37 (hg19) VCF-style: chr8-48736537-T-C.
Other names: c.8804A>G, p.Glu2935Gly (NM_001081640.2); short protein forms E2935G.
Identifiers: ClinVar variation 3310073 (VCV003310073.1).
Genomic context (GRCh38, chr8:47,823,976, plus strand): 5'-CTCTGAGTGATTTGCTTTGTTCCTATCTCACTGGTAAAAATCCCACGGAGGACGTCGTAT[T>C]CTCCAATTGATCTATACAGCCTACAAAACAAATCAAAAAGGCCAAATCAATGAACACTCC-3'
Protein context (NP_008835.5, residues 2925-2945): ELAKLYRSIG[Glu2935Gly]YDVLRGIFTS